The following is an entry in ClinVar:

NM_001252102.2(KIF21B):c.247G>A (p.Val83Met)

Gene: KIF21B (kinesin family member 21B; minus strand). Cytogenetic location: 1q32.1.
Variant type: single nucleotide variant.
Coding change: c.247G>A on transcript NM_001252102.2 (MANE Select); coding-DNA position 247, G replaced by A.
Protein change: p.Val83Met; replaces valine 83 with methionine.
Molecular consequence: missense variant.
Genome position (GRCh38, 1-based): chr1:201,009,283, C>T on the plus strand (G>A on the coding strand, the complement: KIF21B is on the minus strand). VCF-style: chr1-201009283-C-T. GRCh37 (hg19) VCF-style: chr1-200978411-C-T.
Other names: c.247G>A, p.Val83Met (NM_001252100.2, NM_001252103.2, NM_017596.4); short protein forms V83M.
Identifiers: ClinVar variation 1695632 (VCV001695632.2), dbSNP rs2102463736, ClinGen allele CA344119728.

ClinVar aggregate classification (germline): Uncertain significance (1 of 4 stars; one submission).

Submission:

GeneDx
Classification: Uncertain significance. Last evaluated: 2022-01-07. Review status: criteria provided, single submitter. Criteria: GeneDx Variant Classification Process June 2021. Collection method: clinical testing. Allele origin: germline. Affected: yes.
Comment: Not observed at significant frequency in large population cohorts (gnomAD); In silico analysis supports that this missense variant has a deleterious effect on protein structure/function; Has not been previously published as pathogenic or benign to our knowledge